The following is an entry in ClinVar:

NM_206933.4(USH2A):c.6767C>T (p.Ser2256Phe)

Gene: USH2A (usherin; minus strand). Cytogenetic location: 1q41.
Variant type: single nucleotide variant.
Coding change: c.6767C>T on transcript NM_206933.4 (MANE Select); coding-DNA position 6767, C replaced by T.
Protein change: p.Ser2256Phe; replaces serine 2256 with phenylalanine.
Molecular consequence: missense variant.
Genome position (GRCh38, 1-based): chr1:215,993,058, G>A on the plus strand (C>T on the coding strand, the complement: USH2A is on the minus strand). VCF-style: chr1-215993058-G-A. GRCh37 (hg19) VCF-style: chr1-216166400-G-A.
Other names: short protein forms S2256F.
Identifiers: ClinVar variation 2114971 (VCV002114971.4), dbSNP rs1668038125, ClinGen allele CA344860326.
Genomic context (GRCh38, chr1:215,993,058, plus strand): 5'-GAGGCTAAAAGAGTTCACTTACCATTCGGATATTCAGGCTCAGTCCAGGAGACATTAAAG[G>A]AGTCAGGTGAATATGAGTGGGCTTTGGGGGCTGGCACGCCTTCGGGTATGTCCTCGTCAG-3'
Protein context (NP_996816.3, residues 2246-2266): APKAHSYSPD[Ser2256Phe]FNVSWTEPEY

ClinVar aggregate classification (germline): Uncertain significance (1 of 4 stars; one submission).

Submission:

Labcorp Genetics (formerly Invitae), Labcorp
Classification: Uncertain significance. Last evaluated: 2025-05-05. Review status: criteria provided, single submitter. Criteria: Invitae Variant Classification Sherloc (09022015). Collection method: clinical testing. Allele origin: germline.
Comment: This sequence change replaces serine, which is neutral and polar, with phenylalanine, which is neutral and non-polar, at codon 2256 of the USH2A protein (p.Ser2256Phe). This variant is not present in population databases (gnomAD no frequency). This variant has not been reported in the literature in individuals affected with USH2A-related conditions. ClinVar contains an entry for this variant (Variation ID: 2114971). Invitae Evidence Modeling of protein sequence and biophysical properties (such as structural, functional, and spatial information, amino acid conservation, physicochemical variation, residue mobility, and thermodynamic stability) indicates that this missense variant is expected to disrupt USH2A protein function with a positive predictive value of 95%. In summary, the available evidence is currently insufficient to determine the role of this variant in disease. Therefore, it has been classified as a Variant of Uncertain Significance.